The following is an entry in ClinVar:

NM_006019.4(TCIRG1):c.2204T>C (p.Leu735Pro)

Gene: TCIRG1 (T cell immune regulator 1, ATPase H+ transporting V0 subunit a3; plus strand). Cytogenetic location: 11q13.2.
Variant type: single nucleotide variant.
Coding change: c.2204T>C on transcript NM_006019.4 (MANE Select); coding-DNA position 2204, T replaced by C.
Protein change: p.Leu735Pro; replaces leucine 735 with proline.
Molecular consequence: missense variant.
Genome position (GRCh38, 1-based): chr11:68,050,222, T>C. VCF-style: chr11-68050222-T-C. GRCh37 (hg19) VCF-style: chr11-67817689-T-C.
Other names: c.1310T>C, p.Leu437Pro (NM_001351059.2); c.1556T>C, p.Leu519Pro (NM_006053.4); short protein forms L437P, L519P, L735P.
Identifiers: ClinVar variation 3616801 (VCV003616801.2).

ClinVar aggregate classification (germline): Uncertain significance (1 of 4 stars; one submission).

Submission:

Labcorp Genetics (formerly Invitae), Labcorp
Classification: Uncertain significance. Last evaluated: 2025-08-30. Review status: criteria provided, single submitter. Criteria: Invitae Variant Classification Sherloc (09022015). Collection method: clinical testing. Allele origin: germline.
Comment: This sequence change replaces leucine, which is neutral and non-polar, with proline, which is neutral and non-polar, at codon 735 of the TCIRG1 protein (p.Leu735Pro). This variant is not present in population databases (gnomAD no frequency). This variant has not been reported in the literature in individuals affected with TCIRG1-related conditions. ClinVar contains an entry for this variant (Variation ID: 3616801). Invitae Evidence Modeling of protein sequence and biophysical properties (such as structural, functional, and spatial information, amino acid conservation, physicochemical variation, residue mobility, and thermodynamic stability) indicates that this missense variant is expected to disrupt TCIRG1 protein function with a positive predictive value of 80%. In summary, the available evidence is currently insufficient to determine the role of this variant in disease. Therefore, it has been classified as a Variant of Uncertain Significance.